The following is an entry in ClinVar:

ClinVar aggregate classification (germline): Uncertain significance (1 of 4 stars; one submission).

Allele frequency attached by ClinVar (database versions not stated): TOPMed below 0.00001; gnomAD 0.00001; gnomAD exomes 0.00001; ExAC 0.00003.
gnomAD v4.1: 14 of 1,195,771 alleles (0.0012%); highest among the groups gnomAD compares: East Asian, 0.003%; no homozygotes.

Submission:

Labcorp Genetics (formerly Invitae), Labcorp
Classification: Uncertain significance. Last evaluated: 2022-10-04. Review status: criteria provided, single submitter. Criteria: Invitae Variant Classification Sherloc (09022015). Collection method: clinical testing. Allele origin: germline.
Comment: Advanced modeling of protein sequence and biophysical properties (such as structural, functional, and spatial information, amino acid conservation, physicochemical variation, residue mobility, and thermodynamic stability) performed at Invitae indicates that this missense variant is not expected to disrupt CACNA1F protein function. In summary, the available evidence is currently insufficient to determine the role of this variant in disease. Therefore, it has been classified as a Variant of Uncertain Significance. ClinVar contains an entry for this variant (Variation ID: 1431559). This variant has not been reported in the literature in individuals affected with CACNA1F-related conditions. The frequency data for this variant in the population databases is considered unreliable, as metrics indicate poor data quality at this position in the gnomAD database. This sequence change replaces valine, which is neutral and non-polar, with methionine, which is neutral and non-polar, at codon 143 of the CACNA1F protein (p.Val143Met).

NM_001256789.3(CACNA1F):c.427G>A (p.Val143Met)

Gene: CACNA1F (calcium voltage-gated channel subunit alpha1 F; minus strand). Cytogenetic location: Xp11.23.
Variant type: single nucleotide variant.
Coding change: c.427G>A on transcript NM_001256789.3 (MANE Select); coding-DNA position 427, G replaced by A.
Protein change: p.Val143Met; replaces valine 143 with methionine.
Molecular consequence: missense variant.
Genome position (GRCh38, 1-based): chrX:49,230,944, C>T on the plus strand (G>A on the coding strand, the complement: CACNA1F is on the minus strand). VCF-style: chrX-49230944-C-T. GRCh37 (hg19) VCF-style: chrX-49087406-C-T.
Other names: c.232G>A, p.Val78Met (NM_001256790.3); c.427G>A, p.Val143Met (NM_005183.4); short protein forms V143M, V78M.
Identifiers: ClinVar variation 1431559 (VCV001431559.6), dbSNP rs782724058, ClinGen allele CA10411078.